The following is an entry in ClinVar:

NM_000245.4(MET):c.2642G>A (p.Ser881Asn)

Gene: MET (MET proto-oncogene, receptor tyrosine kinase; plus strand). Cytogenetic location: 7q31.2.
Variant type: single nucleotide variant.
Coding change: c.2642G>A on transcript NM_000245.4 (MANE Select); coding-DNA position 2642, G replaced by A.
Protein change: p.Ser881Asn; replaces serine 881 with asparagine.
Molecular consequence: missense variant.
Genome position (GRCh38, 1-based): chr7:116,769,703, G>A. VCF-style: chr7-116769703-G-A. GRCh37 (hg19) VCF-style: chr7-116409757-G-A.
Other names: c.2696G>A, p.Ser899Asn (NM_001127500.3); c.2642G>A, p.Ser881Asn (NM_001324401.3); c.1352G>A, p.Ser451Asn (NM_001324402.2); short protein forms S451N, S881N, S899N.
Identifiers: ClinVar variation 4705381 (VCV004705381.1).

ClinVar aggregate classification (germline): Uncertain significance (1 of 4 stars; one submission).

Conditions:
Renal cell carcinoma. Identifiers: Orphanet 217071, MedGen C0007134, MeSH D002292, MONDO:0005086, HP:0005584.

Submission:

Labcorp Genetics (formerly Invitae), Labcorp
Classification: Uncertain significance for Renal cell carcinoma. Last evaluated: 2026-01-18. Review status: criteria provided, single submitter. Criteria: Invitae Variant Classification Sherloc (09022015). Collection method: clinical testing. Allele origin: germline.
Comment: This sequence change replaces serine, which is neutral and polar, with asparagine, which is neutral and polar, at codon 899 of the MET protein (p.Ser899Asn). This variant is not present in population databases (gnomAD no frequency). This variant has not been reported in the literature in individuals affected with MET-related conditions. Invitae Evidence Modeling of protein sequence and biophysical properties (such as structural, functional, and spatial information, amino acid conservation, physicochemical variation, residue mobility, and thermodynamic stability) indicates that this missense variant is not expected to disrupt MET protein function with a negative predictive value of 80%. In summary, the available evidence is currently insufficient to determine the role of this variant in disease. Therefore, it has been classified as a Variant of Uncertain Significance.